The following is an entry in ClinVar:

ClinVar aggregate classification (germline): Uncertain significance (1 of 4 stars; one submission).

Conditions:
Hereditary sensory and autonomic neuropathy type 6. Also called: Neuropathy, hereditary sensory and autonomic, type VI; HSAN VI. Identifiers: Orphanet 314381, MedGen C3539003, MONDO:0013839, OMIM 614653.
Epidermolysis bullosa simplex 3, localized or generalized intermediate, with BP230 deficiency (EBS3). Also called: Epidermolysis bullosa simplex due to BP230 deficiency; Epidermolysis bullosa simplex, autosomal recessive 2. Identifiers: Orphanet 412181, MedGen C3809470, MONDO:0014180, OMIM 615425.

Allele frequency attached by ClinVar (database versions not stated): ExAC 0.00002; gnomAD exomes 0.00003; TOPMed 0.00018; ESP Exome Variant Server 0.00038.
gnomAD v4.1: 61 of 1,614,022 alleles (0.0038%); highest among the groups gnomAD compares: African/African-American, 0.068%; no homozygotes.

Submission:

Labcorp Genetics (formerly Invitae), Labcorp
Classification: Uncertain significance for Epidermolysis bullosa simplex 3, localized or generalized intermediate, with BP230 deficiency; Hereditary sensory and autonomic neuropathy type 6. Last evaluated: 2022-07-27. Review status: criteria provided, single submitter. Criteria: Invitae Variant Classification Sherloc (09022015). Collection method: clinical testing. Allele origin: germline.
Comment: This sequence change replaces alanine, which is neutral and non-polar, with valine, which is neutral and non-polar, at codon 1224 of the DST protein (p.Ala1224Val). This variant is present in population databases (rs35704043, gnomAD 0.03%). This variant has not been reported in the literature in individuals affected with DST-related conditions. ClinVar contains an entry for this variant (Variation ID: 1021841). Algorithms developed to predict the effect of missense changes on protein structure and function are either unavailable or do not agree on the potential impact of this missense change (SIFT: "Tolerated"; PolyPhen-2: "Probably Damaging"; Align-GVGD: "Class C0"). In summary, the available evidence is currently insufficient to determine the role of this variant in disease. Therefore, it has been classified as a Variant of Uncertain Significance.

NM_001723.7(DST):c.3671C>T (p.Ala1224Val)

Gene: DST (dystonin; minus strand). Cytogenetic location: 6p12.1.
Variant type: single nucleotide variant.
Coding change: c.3671C>T on transcript NM_001723.7 (MANE Plus Clinical); coding-DNA position 3671, C replaced by T.
Protein change: p.Ala1224Val; replaces alanine 1224 with valine.
Molecular consequence: missense variant. On other transcripts: intron variant (10).
Genome position (GRCh38, 1-based): chr6:56,620,363, G>A on the plus strand (C>T on the coding strand, the complement: DST is on the minus strand). VCF-style: chr6-56620363-G-A. GRCh37 (hg19) VCF-style: chr6-56485161-G-A.
Other names: c.4830+4167C>T (NM_001144769.5); c.4929+4167C>T (NM_001374722.1, NM_001374736.1); c.4956+4167C>T (NM_001374734.1); c.4416+4167C>T (NM_001144770.2); c.4296+4167C>T (NM_001374730.1, NM_001386100.1, NM_183380.4 and 1 more transcripts); c.3318+4167C>T (NM_015548.5); short protein forms A1224V.
Identifiers: ClinVar variation 1021841 (VCV001021841.9), dbSNP rs35704043, ClinGen allele CA3870670.
Genomic context (GRCh38, chr6:56,620,363, plus strand): 5'-TCCTCCAACTGATTGCGAAAATTCAGGAGGTTCTCTTCCACGGCAGCTCTTTTAGCCTCG[G>A]CCTCTATGGTGAGCTGCCTCACCCGCTCCAGTTCTCTTTCAGCGGCTTCCTTCTCTCTCA-3'
Protein context (NP_001714.1, residues 1214-1234): LERVRQLTIE[Ala1224Val]EAKRAAVEEN